The following is an entry in ClinVar:

NM_015425.6(POLR1A):c.4379A>C (p.Gln1460Pro)

Gene: POLR1A (RNA polymerase I subunit A; minus strand). Cytogenetic location: 2p11.2.
Variant type: single nucleotide variant.
Coding change: c.4379A>C on transcript NM_015425.6 (MANE Select); coding-DNA position 4379, A replaced by C.
Protein change: p.Gln1460Pro; replaces glutamine 1460 with proline.
Molecular consequence: missense variant.
Genome position (GRCh38, 1-based): chr2:86,031,529, T>G on the plus strand (A>C on the coding strand, the complement: POLR1A is on the minus strand). VCF-style: chr2-86031529-T-G. GRCh37 (hg19) VCF-style: chr2-86258652-T-G.
Other names: short protein forms Q1460P.
Identifiers: ClinVar variation 1388544 (VCV001388544.6), dbSNP rs1672389379, ClinGen allele CA347546810.

ClinVar aggregate classification (germline): Uncertain significance (1 of 4 stars; one submission).

Allele frequency attached by ClinVar (database versions not stated): gnomAD exomes below 0.00001.
gnomAD v4.1: 2 of 1,614,188 alleles (0.00012%); highest among the groups gnomAD compares: Non-Finnish European, 0.00017%; no homozygotes.

Submission:

Labcorp Genetics (formerly Invitae), Labcorp
Classification: Uncertain significance. Last evaluated: 2025-03-31. Review status: criteria provided, single submitter. Criteria: Invitae Variant Classification Sherloc (09022015). Collection method: clinical testing. Allele origin: germline.
Comment: This sequence change replaces glutamine, which is neutral and polar, with proline, which is neutral and non-polar, at codon 1460 of the POLR1A protein (p.Gln1460Pro). This variant is not present in population databases (gnomAD no frequency). This variant has not been reported in the literature in individuals affected with POLR1A-related conditions. ClinVar contains an entry for this variant (Variation ID: 1388544). An algorithm developed to predict the effect of missense changes on protein structure and function outputs the following: PolyPhen-2: "Benign". The proline amino acid residue is found in multiple mammalian species, which suggests that this missense change does not adversely affect protein function. In summary, the available evidence is currently insufficient to determine the role of this variant in disease. Therefore, it has been classified as a Variant of Uncertain Significance.